The following is an entry in ClinVar:

NM_152773.5(DYNLT2B):c.317+5G>A

Gene: DYNLT2B (dynein light chain Tctex-type 2B; minus strand). Cytogenetic location: 3q29.
Variant type: single nucleotide variant.
Coding change: c.317+5G>A on transcript NM_152773.5 (MANE Select); 5 bases into the intron after coding-DNA position 317, G replaced by A.
Molecular consequence: intron variant.
Genome position (GRCh38, 1-based): chr3:196,306,938, C>T on the plus strand (G>A on the coding strand, the complement: DYNLT2B is on the minus strand). VCF-style: chr3-196306938-C-T. GRCh37 (hg19) VCF-style: chr3-196033809-C-T.
Other names: c.317+5G>A (NM_001351628.2, NM_152773.4).
Identifiers: ClinVar variation 1921675 (VCV001921675.3), dbSNP rs201901599, ClinGen allele CA2779750.

ClinVar aggregate classification (germline): Uncertain significance. Review status: criteria provided, single submitter (1 of 4 stars). 2 submissions from 2 submitters: Uncertain significance (1). 1 of the submissions does not count toward it. Last evaluated 2022-10-12.

Conditions:
DYNLT2B-related disorder. Also called: DYNLT2B-related condition.

Allele frequency attached by ClinVar (database versions not stated): ExAC 0.00001; gnomAD 0.00001; gnomAD exomes 0.00001; TOPMed 0.00001.

Submissions (2):

Labcorp Genetics (formerly Invitae), Labcorp
Classification: Uncertain significance. Last evaluated: 2022-10-12. Review status: criteria provided, single submitter. Criteria: Invitae Variant Classification Sherloc (09022015). Collection method: clinical testing. Allele origin: germline.
Comment: This sequence change falls in intron 3 of the TCTEX1D2 gene. It does not directly change the encoded amino acid sequence of the TCTEX1D2 protein. It affects a nucleotide within the consensus splice site. This variant is present in population databases (rs201901599, gnomAD 0.003%). This variant has not been reported in the literature in individuals affected with TCTEX1D2-related conditions. Variants that disrupt the consensus splice site are a relatively common cause of aberrant splicing (PMID: 17576681, 9536098). Algorithms developed to predict the effect of sequence changes on RNA splicing suggest that this variant may disrupt the consensus splice site. In summary, the available evidence is currently insufficient to determine the role of this variant in disease. Therefore, it has been classified as a Variant of Uncertain Significance.

PreventionGenetics, part of Exact Sciences
Classification: Uncertain significance for DYNLT2B-related condition. Last evaluated: 2024-07-31. Review status: no assertion criteria provided. Collection method: clinical testing. Allele origin: germline. Not counted in ClinVar's aggregate classification.
Comment: The DYNLT2B c.317+5G>A variant is predicted to interfere with splicing. To our knowledge, this variant has not been reported in the literature. This variant is reported in 0.0031% of alleles in individuals of European (Non-Finnish) descent in gnomAD. At this time, the clinical significance of this variant is uncertain due to the absence of conclusive functional and genetic evidence.

Literature cited by the submitters: PubMed 17576681 (cited by Labcorp Genetics (formerly Invitae), Labcorp); PubMed 9536098 (cited by Labcorp Genetics (formerly Invitae), Labcorp).